The following is an entry in ClinVar:

ClinVar aggregate classification (germline): Uncertain significance (1 of 4 stars; one submission).

Conditions:
Combined oxidative phosphorylation defect type 17. Also called: Combined oxidative phosphorylation deficiency 17. Identifiers: Orphanet 369913, MedGen C3809526, MONDO:0014190, OMIM 615440.

gnomAD v4.1: 1 of 1,597,008 alleles (0.000063%); highest among the groups gnomAD compares: Non-Finnish European, 0.000085%; no homozygotes.

Submission:

Labcorp Genetics (formerly Invitae), Labcorp
Classification: Uncertain significance for Combined oxidative phosphorylation defect type 17. Last evaluated: 2022-03-29. Review status: criteria provided, single submitter. Criteria: Invitae Variant Classification Sherloc (09022015). Collection method: clinical testing. Allele origin: germline.
Comment: In summary, the available evidence is currently insufficient to determine the role of this variant in disease. Therefore, it has been classified as a Variant of Uncertain Significance. Algorithms developed to predict the effect of missense changes on protein structure and function (SIFT, PolyPhen-2, Align-GVGD) all suggest that this variant is likely to be tolerated. This variant has not been reported in the literature in individuals affected with ELAC2-related conditions. This variant is not present in population databases (gnomAD no frequency). This sequence change replaces leucine, which is neutral and non-polar, with glutamine, which is neutral and polar, at codon 560 of the ELAC2 protein (p.Leu560Gln).

NM_018127.7(ELAC2):c.1679T>A (p.Leu560Gln)

Gene: ELAC2 (elaC ribonuclease Z 2; minus strand). Cytogenetic location: 17p12.
Variant type: single nucleotide variant.
Coding change: c.1679T>A on transcript NM_018127.7 (MANE Select); coding-DNA position 1679, T replaced by A.
Protein change: p.Leu560Gln; replaces leucine 560 with glutamine.
Molecular consequence: missense variant.
Genome position (GRCh38, 1-based): chr17:12,995,959, A>T on the plus strand (T>A on the coding strand, the complement: ELAC2 is on the minus strand). VCF-style: chr17-12995959-A-T. GRCh37 (hg19) VCF-style: chr17-12899276-A-T.
Other names: c.1559T>A, p.Leu520Gln (NM_001165962.2); c.1676T>A, p.Leu559Gln (NM_173717.2); short protein forms L559Q, L520Q, L560Q.
Identifiers: ClinVar variation 2119227 (VCV002119227.4), dbSNP rs1567744875, ClinGen allele CA398223768.